The following is an entry in ClinVar:

NM_138694.4(PKHD1):c.353del (p.Ser118fs)

Gene: PKHD1 (PKHD1 ciliary IPT domain containing fibrocystin/polyductin; minus strand). Cytogenetic location: 6p12.2.
Variant type: Deletion.
Coding change: c.353del on transcript NM_138694.4 (MANE Select); coding-DNA position 353, one base deleted (G; older notation c.353delG).
Protein change: p.Ser118fs; shifts the reading frame from serine 118.
Molecular consequence: frameshift variant.
Genome position (GRCh38, 1-based): chr6:52,079,937, C deleted on the plus strand (G on the coding strand, the reverse complement: PKHD1 is on the minus strand). VCF-style (leftmost placement, unchanged base first): chr6-52079936-AC-A. GRCh37 (hg19) VCF-style: chr6-51944734-AC-A.
Other names: c.353del, p.Ser118fs (NM_170724.3); c.353del (NM_170724.2, NM_138694.3); short protein forms S118fs.
Identifiers: ClinVar variation 96397 (VCV000096397.70), dbSNP rs398124483, ClinGen allele CA224070.

ClinVar aggregate classification (germline): Pathogenic/Likely pathogenic. Review status: criteria provided, multiple submitters, no conflicts (2 of 4 stars). 20 submissions from 20 submitters: Pathogenic (14); Likely pathogenic (2). 4 of the submissions do not count toward it. Last evaluated 2026-01-18.

Conditions:
Polycystic kidney disease 4 (PKD4). Also called: POLYCYSTIC KIDNEY AND HEPATIC DISEASE 1; POLYCYSTIC KIDNEY DISEASE, INFANTILE, TYPE I; POLYCYSTIC KIDNEY DISEASE 4 WITH OR WITHOUT POLYCYSTIC LIVER DISEASE; PKD3; Autosomal Recessive Polycystic Kidney Disease – PKHD1. Identifiers: MedGen C4540575, MONDO:0033004, OMIM 263200.
PKHD1-related disorder. Also called: PKHD1-related condition.
Autosomal dominant polycystic liver disease. Also called: Polycystic liver disease; Congenital cystic disease of liver. Identifiers: Orphanet 2924, MedGen C0158683, MONDO:0000447, HP:0006557.
Autosomal recessive polycystic kidney disease (ARPKD). Also called: AR polycystic kidney disease. Identifiers: Orphanet 731, Orphanet 8378, MedGen C0085548, MeSH D017044, MONDO:0009889.

Allele frequency attached by ClinVar (database versions not stated): gnomAD 0.00003; TOPMed 0.00004; gnomAD exomes 0.00006; ExAC 0.00007; ESP Exome Variant Server 0.00016.

Submissions (20):

PreventionGenetics, part of Exact Sciences
Classification: Pathogenic for PKHD1-related condition. Last evaluated: 2026-01-18. Review status: criteria provided, single submitter. Criteria: ACMG Guidelines, 2015. Collection method: clinical testing. Allele origin: germline.
Comment: The PKHD1 c.353delG variant is predicted to result in a frameshift and premature protein termination (p.Ser118Ilefs*35). This variant has been reported to be pathogenic for autosomal recessive polycystic kidney disease (ARPKD) (Bergmann et al. 2004, PubMed ID: 1510828; Table S2, P129, Domingo-Gallego et al. 2022. PubMed ID: 33532864). This variant is reported in 0.011% of alleles in individuals of European (Non-Finnish) descent in gnomAD. Frameshift variants in PKHD1 are expected to be pathogenic. This variant is interpreted as pathogenic.

Natera, Inc.
Classification: Pathogenic for Autosomal recessive polycystic kidney disease. Last evaluated: 2025-10-15. Review status: criteria provided, single submitter. Criteria: Natera Variant Classification Schema (03/2026). Collection method: clinical testing. Allele origin: germline.
Comment: The c.353delG variant in PKHD1 is a frameshift variant predicted to shift the reading frame beginning at codon 118 and leads to a stop codon 35 codons downstream. This variant is expected to result in nonsense mediated decay, truncation, or a dysfunctional protein product. This variant is rare in the general population with a frequency below the threshold expected for the associated phenotype(s). This variant has been observed in one or more individuals affected with the associated recessive disease, as either homozygous or compound heterozygous with a second variant (PMID: 15805161). Given the available evidence, this variant is classified as Pathogenic.

Blueprint Genetics
Classification: Pathogenic for PKHD1-related disorders. Last evaluated: 2024-04-18. Review status: criteria provided, single submitter. Criteria: ACMG Guidelines, 2015. Collection method: clinical testing. Allele origin: germline. Affected: yes. Observed: 5 variant alleles.

Labcorp Genetics (formerly Invitae), Labcorp
Classification: Pathogenic for Autosomal recessive polycystic kidney disease. Last evaluated: 2024-03-09. Review status: criteria provided, single submitter. Criteria: Invitae Variant Classification Sherloc (09022015). Collection method: clinical testing. Allele origin: germline.
Comment: This sequence change creates a premature translational stop signal (p.Ser118Ilefs*35) in the PKHD1 gene. It is expected to result in an absent or disrupted protein product. Loss-of-function variants in PKHD1 are known to be pathogenic (PMID: 19940839). This variant is present in population databases (rs398124483, gnomAD 0.01%). This premature translational stop signal has been observed in individuals with autosomal recessive polycystic kidney disease (PMID: 15108281, 15805161, 16133180). ClinVar contains an entry for this variant (Variation ID: 96397). Algorithms developed to predict the effect of sequence changes on RNA splicing suggest that this variant may create or strengthen a splice site. For these reasons, this variant has been classified as Pathogenic.

Fulgent Genetics
Classification: Pathogenic for Polycystic kidney disease 4. Last evaluated: 2024-02-28. Review status: criteria provided, single submitter. Criteria: ACMG Guidelines, 2015. Collection method: clinical testing. Allele origin: germline.

Department of Pathology and Laboratory Medicine, Sinai Health System
Classification: Likely pathogenic for Polycystic kidney disease 4. Last evaluated: 2024-02-01. Review status: criteria provided, single submitter. Criteria: ACMG Guidelines, 2015. Collection method: clinical testing. Allele origin: germline. Affected: yes.

GeneDx
Classification: Pathogenic. Last evaluated: 2024-01-02. Review status: criteria provided, single submitter. Criteria: GeneDx Variant Classification Process June 2021. Collection method: clinical testing. Allele origin: germline. Affected: yes.
Comment: Reported with a second variant (phase unknown) in unrelated patients with polycystic kidney disease (PMID: 16133180, 15805161, 30650191); Frameshift variant predicted to result in protein truncation or nonsense mediated decay in a gene for which loss of function is a known mechanism of disease; Not observed at significant frequency in large population cohorts (gnomAD); This variant is associated with the following publications: (PMID: 31589614, 30650191, 15108281, 15805161, 33532864, 16133180, 19940839)

Revvity Omics, Revvity
Classification: Pathogenic for Polycystic kidney disease 4. Last evaluated: 2023-02-16. Review status: criteria provided, single submitter. Criteria: ACMG Guidelines, 2015. Collection method: clinical testing. Allele origin: germline.

Victorian Clinical Genetics Services, Murdoch Childrens Research Institute
Classification: Pathogenic for Autosomal recessive polycystic kidney disease. Last evaluated: 2020-06-11. Review status: criteria provided, single submitter. Criteria: ACMG Guidelines, 2015. Collection method: clinical testing. Allele origin: germline. Inheritance: Autosomal recessive inheritance. Affected: yes.
Comment: Based on the classification scheme VCGS_Germline_v1.1.1, this variant is classified as Pathogenic. Following criteria are met: 0102 - Loss-of-function is a known mechanism of disease for this gene. (N) 0106 - This gene is known to be associated with autosomal recessive disease. (N) 0201 - Variant is predicted to cause nonsense-mediated decay (NMD) and loss of protein (exon 5 of 67). (P) 0251 - Variant is heterozygous. (N) 0304 - Variant is present in gnomAD (v2) <0.01 for a recessive condition (14 heterozygotes, 0 homozygotes). (P) 0701 - Comparable variants have very strong previous evidence for pathogenicity. Many other NMD-predicted variants have previously been reported as pathogenic in patients with ARPKD (ClinVar). (P) 0801 - Strong previous evidence of pathogenicity in unrelated individuals. The variant has previously been reported in multiple cases of ARPKD (ClinVar, HGMD, PMID: 15108281, PMID: 15805161, PMID: 16133180, PMID: 30650191). (P) 0905 - No segregation evidence has been identified for this variant. (N) 1007 - No published functional evidence has been identified for this variant. (N) 1208 - Inheritance information for this variant is not currently available. (N) Legend: (P) - Pathogenic, (N) - Neutral, (B) - Benign

Molecular Biology Laboratory, Fundació Puigvert
Classification: Pathogenic for Polycystic kidney disease 4. Last evaluated: 2020-02-01. Review status: criteria provided, single submitter. Criteria: ACMG Guidelines, 2015. Collection method: research. Allele origin: paternal. Affected: yes. Study: KidneyPanel_2020.

Mayo Clinic Laboratories, Mayo Clinic
Classification: Pathogenic. Last evaluated: 2019-11-25. Review status: criteria provided, single submitter. Criteria: ACMG Guidelines, 2015. Collection method: clinical testing. Allele origin: germline. Observed: 1 variant allele.
Comment: PVS1, PM2, PM3

Genomic Medicine Lab, University of California San Francisco
Classification: Pathogenic for Polycystic kidney disease 4. Last evaluated: 2018-11-29. Review status: criteria provided, single submitter. Criteria: ACMG Guidelines, 2015. Collection method: clinical testing. Allele origin: maternal. Inheritance: Autosomal recessive inheritance. Affected: yes. Study: CSER.

Clinical Genetics DNA and cytogenetics Diagnostics Lab, Erasmus MC, Erasmus Medical Center
Classification: Pathogenic for Polycystic kidney disease 4. Last evaluated: 2017-03-17. Review status: criteria provided, single submitter. Criteria: ACGS Guidelines, 2013. Collection method: clinical testing. Allele origin: germline. Affected: yes. Study: VKGL Data-share Consensus.

Illumina Laboratory Services, Illumina
Classification: Likely pathogenic for Polycystic kidney disease 4. Last evaluated: 2016-09-28. Review status: criteria provided, single submitter. Criteria: ICSL Variant Classification Criteria 09 May 2019. Collection method: clinical testing. Allele origin: germline.
Comment: The PKHD1 c.353delG (p.Ser118IlefsTer35) variant results in a frameshift and is predicted to cause a premature termination of the protein. This variant has been reported in three studies and is found in a total of four individuals with autosomal recessive polycystic kidney disease, including three compound heterozygotes and one heterozygote in whom a second variant could not be identified (Bergmann et al. 2004. Sharp et al. 2005, Losekoot et al. 2005). The p.Ser118IlefsTer35 variant was absent from 300 controls but is reported at a frequency of 0.00013 in the European (non-Finnish) population of the Exome Aggregation Consortium. Based on the evidence and the potential impact of frameshift variants, the p.Ser118IlefsTer35 variant is classified as likely pathogenic for autosomal recessive polycystic kidney disease. This variant was observed by ICSL as part of a predisposition screen in an ostensibly healthy population.

Eurofins Ntd Llc (ga)
Classification: Pathogenic. Last evaluated: 2012-10-10. Review status: criteria provided, single submitter. Criteria: EGL Classification Definitions. Collection method: clinical testing. Allele origin: germline. Observed: 1 variant allele, 1 heterozygote.

Baylor Genetics
Classification: Pathogenic for Polycystic kidney disease 4. Review status: criteria provided, single submitter. Criteria: ACMG Guidelines, 2015. Collection method: clinical testing. Allele origin: germline.

Laboratory of Gastroenterology and Hepatology, Radboud University Medical Center
Classification: Pathogenic for Autosomal dominant polycystic liver disease. Last evaluated: 2021-09-01. Review status: no assertion criteria provided. Collection method: research. Allele origin: germline. Affected: yes. Not counted in ClinVar's aggregate classification.

Counsyl
Classification: Likely pathogenic for Polycystic kidney disease 4. Last evaluated: 2014-01-02. Review status: no assertion criteria provided. Collection method: clinical testing. Allele origin: unknown. Not counted in ClinVar's aggregate classification.

Diagnostic Laboratory, Department of Genetics, University Medical Center Groningen
Classification: Pathogenic for Polycystic kidney disease 4. Review status: no assertion criteria provided. Collection method: clinical testing. Allele origin: germline. Affected: yes. Study: VKGL Data-share Consensus. Not counted in ClinVar's aggregate classification.

Laboratory of Diagnostic Genome Analysis, Leiden University Medical Center (LUMC)
Classification: Pathogenic. Review status: no assertion criteria provided. Collection method: clinical testing. Allele origin: germline. Affected: yes. Study: VKGL Data-share Consensus. Not counted in ClinVar's aggregate classification.

Literature cited by the submitters: PubMed 15805161 (cited by 6 submitters); PubMed 19940839 (cited by 3 submitters); PubMed 15108281 (cited by 6 submitters); PubMed 16133180 (cited by 5 submitters); PubMed 30650191 (cited by Department of Pathology and Laboratory Medicine, Sinai Health System and Victorian Clinical Genetics Services, Murdoch Childrens Research Institute); PubMed 33532864 (cited by Department of Pathology and Laboratory Medicine, Sinai Health System and Molecular Biology Laboratory, Fundació Puigvert).